The following is an entry in ClinVar:

ClinVar aggregate classification (germline): Uncertain significance (1 of 4 stars; one submission).

Conditions:
Asphyxiating thoracic dystrophy 3. Also called: SHORT-RIB THORACIC DYSPLASIA 3 WITH OR WITHOUT POLYDACTYLY; POLYDACTYLY WITH NEONATAL CHONDRODYSTROPHY, TYPE I; SHORT-RIB THORACIC DYSPLASIA 3/6 WITH POLYDACTYLY, DIGENIC; Short rib polydactyly syndrome 2B; Saldino-Noonan Syndrome. Identifiers: Orphanet 474, Orphanet 93269, Orphanet 93270, Orphanet 93271, MedGen C0036069, MONDO:0013127, OMIM 613091.

Submission:

Victorian Clinical Genetics Services, Murdoch Childrens Research Institute
Classification: Uncertain significance for Asphyxiating thoracic dystrophy 3. Last evaluated: 2022-06-24. Review status: criteria provided, single submitter. Criteria: ACMG Guidelines, 2015. Collection method: clinical testing. Allele origin: germline. Inheritance: Autosomal recessive inheritance. Affected: yes.
Comment: Based on the classification scheme VCGS_Germline_v1.3.4, this variant is classified as VUS-3B. Following criteria are met: 0102 - Loss of function is a known mechanism of disease in this gene and is associated with short-rib thoracic dysplasia 3 with or without polydactyly (MIM#613091). (I) 0106 - This gene is associated with autosomal recessive disease. (I) 0200 - Variant is predicted to result in a missense amino acid change from glycine to alanine. (I) 0251 - This variant is heterozygous. (I) 0301 - Variant is absent from gnomAD (both v2 and v3). (SP) 0502 - Missense variant with conflicting in silico predictions and uninformative conservation. (I) 0600 - Variant is located in the annotated hydrolytic ATP binding site of dynein motor region (DECIPHER). (I) 0705 - No comparable missense variants have previous evidence for pathogenicity. (I) 0807 - This variant has no previous evidence of pathogenicity. (I) 0905 - No published segregation evidence has been identified for this variant. (I) 1007 - No published functional evidence has been identified for this variant. (I) Legend: (SP) - Supporting pathogenic, (I) - Information, (SB) - Supporting benign

NM_001377.3(DYNC2H1):c.5357G>C (p.Gly1786Ala)

Gene: DYNC2H1 (dynein cytoplasmic 2 heavy chain 1; plus strand). Cytogenetic location: 11q22.3.
Variant type: single nucleotide variant.
Coding change: c.5357G>C on transcript NM_001377.3 (MANE Select); coding-DNA position 5357, G replaced by C.
Protein change: p.Gly1786Ala; replaces glycine 1786 with alanine.
Molecular consequence: missense variant.
Genome position (GRCh38, 1-based): chr11:103,173,104, G>C. VCF-style: chr11-103173104-G-C. GRCh37 (hg19) VCF-style: chr11-103043833-G-C.
Other names: c.5357G>C, p.Gly1786Ala (NM_001080463.2); short protein forms G1786A.
Identifiers: ClinVar variation 1699210 (VCV001699210.3), dbSNP rs2134975573, ClinGen allele CA382242570.